The following is an entry in ClinVar:

ClinVar aggregate classification (germline): Pathogenic (1 of 4 stars; one submission).

Conditions:
Developmental and epileptic encephalopathy 94 (DEE94). Also called: Epileptic encephalopathy, childhood-onset; CHD2-Related Neurodevelopmental Disorders. Identifiers: Orphanet 1942, Orphanet 2382, MedGen C3809278, MONDO:0014150, OMIM 615369.

Submission:

GeneDx
Classification: Pathogenic. Last evaluated: 2020-06-12. Review status: criteria provided, single submitter. Criteria: GeneDx Variant Classification Process June 2021. Collection method: clinical testing. Allele origin: germline. Affected: yes.
Comment: Frameshift variant in the C-terminus predicted to result in protein truncation, as the last 184 amino acids are lost and replaced with 168 incorrect amino acids; Not observed in large population cohorts (Lek et al., 2016); Has not been previously published as pathogenic or benign to our knowledge

NM_001271.4(CHD2):c.4935del (p.Lys1645fs)

Gene: CHD2 (chromodomain helicase DNA binding protein 2; plus strand). Cytogenetic location: 15q26.1.
Variant type: Deletion.
Coding change: c.4935del on transcript NM_001271.4 (MANE Select); coding-DNA position 4935, one base deleted (G; older notation c.4935delG).
Protein change: p.Lys1645fs; shifts the reading frame from lysine 1645.
Molecular consequence: frameshift variant.
Genome position (GRCh38, 1-based): chr15:93,020,040, G deleted. VCF-style (leftmost placement, unchanged base first): chr15-93020039-AG-A. GRCh37 (hg19) VCF-style: chr15-93563269-AG-A.
Other names: c.4935delG (NM_001271.3); c.4935del (NM_001271.3); short protein forms K1645fs.
Identifiers: ClinVar variation 1188134 (VCV001188134.3), dbSNP rs2141895144, ClinGen allele CA2499223179.